The following is an entry in ClinVar:

ClinVar aggregate classification (germline): Pathogenic (1 of 4 stars; one submission).

Conditions:
Pitt-Hopkins syndrome (PTHS). Also called: MENTAL RETARDATION, SYNDROMAL, WITH INTERMITTENT HYPERVENTILATION; ENCEPHALOPATHY, SEVERE EPILEPTIC, WITH AUTONOMIC DYSFUNCTION. Identifiers: Orphanet 2896, MedGen C1970431, MONDO:0012589, OMIM 610954.

Submission:

Labcorp Genetics (formerly Invitae), Labcorp
Classification: Pathogenic for Pitt-Hopkins syndrome. Last evaluated: 2019-01-16. Review status: criteria provided, single submitter. Criteria: Invitae Variant Classification Sherloc (09022015). Collection method: clinical testing. Allele origin: germline.
Comment: This sequence change creates a premature translational stop signal (p.Arg593Alafs*17) in the TCF4 gene. It is expected to result in an absent or disrupted protein product. This variant is not present in population databases (ExAC no frequency). This variant has not been reported in the literature in individuals with TCF4-related conditions. Loss-of-function variants in TCF4 are known to be pathogenic (PMID: 18728071, 22045651). For these reasons, this variant has been classified as Pathogenic.

NM_001083962.2(TCF4):c.1777del (p.Arg593fs)

Gene: TCF4 (transcription factor 4; minus strand). Cytogenetic location: 18q21.2.
Variant type: Deletion.
Coding change: c.1777del on transcript NM_001083962.2 (MANE Select); coding-DNA position 1777, one base deleted (C; older notation c.1777delC).
Protein change: p.Arg593fs; shifts the reading frame from arginine 593.
Molecular consequence: frameshift variant.
Genome position (GRCh38, 1-based): chr18:55,228,949, G deleted on the plus strand (C on the coding strand, the reverse complement: TCF4 is on the minus strand); the first of 2 consecutive G bases (chr18:55,228,949-55,228,950); deleting either gives the same sequence. VCF-style (leftmost placement, unchanged base first): chr18-55228948-CG-C. GRCh37 (hg19) VCF-style: chr18-52896179-CG-C.
Other names: c.1639del, p.Arg547fs (NM_001243231.2); c.1564del, p.Arg522fs (NM_001243232.1); c.1375del, p.Arg459fs (NM_001243233.2, NM_001348212.2); c.1297del, p.Arg433fs (NM_001243234.2, NM_001348216.2); c.1285del, p.Arg429fs (NM_001243235.2, NM_001243236.2); c.1693del, p.Arg565fs (NM_001306207.1, NM_001348219.2, NM_001369582.1 and 1 more transcripts); c.1552del, p.Arg518fs (NM_001306208.1); c.1774del, p.Arg592fs (NM_001330604.3, NM_001369569.1, NM_001369570.1); and 14 more; short protein forms R377fs, R428fs, R459fs, R463fs, R592fs, R433fs, R522fs, R547fs.
Identifiers: ClinVar variation 862997 (VCV000862997.1), dbSNP rs2047103931, ClinGen allele CA916083648.